The following is an entry in ClinVar:

NM_001321967.2(ATAD1):c.338A>G (p.Lys113Arg)

Gene: ATAD1 (ATPase family AAA domain containing 1; minus strand). Cytogenetic location: 10q23.31.
Variant type: single nucleotide variant.
Coding change: c.338A>G on transcript NM_001321967.2 (MANE Select); coding-DNA position 338, A replaced by G.
Protein change: p.Lys113Arg; replaces lysine 113 with arginine.
Molecular consequence: missense variant. On other transcripts: 5 prime UTR variant (1), non-coding transcript variant (1).
Genome position (GRCh38, 1-based): chr10:87,790,354, T>C on the plus strand (A>G on the coding strand, the complement: ATAD1 is on the minus strand). VCF-style: chr10-87790354-T-C. GRCh37 (hg19) VCF-style: chr10-89550111-T-C.
Other names: c.338A>G, p.Lys113Arg (NM_001321968.2, NM_032810.4); c.-110A>G (NM_001321969.2); short protein forms K113R.
Identifiers: ClinVar variation 1442042 (VCV001442042.6), dbSNP rs1589514899, ClinGen allele CA377491914.

ClinVar aggregate classification (germline): Uncertain significance (1 of 4 stars; one submission).

Submission:

Labcorp Genetics (formerly Invitae), Labcorp
Classification: Uncertain significance. Last evaluated: 2021-05-19. Review status: criteria provided, single submitter. Criteria: Invitae Variant Classification Sherloc (09022015). Collection method: clinical testing. Allele origin: germline.
Comment: This variant has not been reported in the literature in individuals with ATAD1-related conditions. In summary, the available evidence is currently insufficient to determine the role of this variant in disease. Therefore, it has been classified as a Variant of Uncertain Significance. Algorithms developed to predict the effect of missense changes on protein structure and function are either unavailable or do not agree on the potential impact of this missense change (SIFT: "Not Available"; PolyPhen-2: "Benign"; Align-GVGD: "Not Available"). This variant is not present in population databases (ExAC no frequency). This sequence change replaces lysine with arginine at codon 113 of the ATAD1 protein (p.Lys113Arg). The lysine residue is moderately conserved and there is a small physicochemical difference between lysine and arginine.